The following is an entry in ClinVar:

ClinVar aggregate classification (germline): Uncertain significance. Review status: criteria provided, multiple submitters, no conflicts (2 of 4 stars). 3 submissions from 3 submitters: Uncertain significance (3). Last evaluated 2026-02-01.

Conditions:
Inflammatory bowel disease 28. Also called: Inflammatory bowel disease 28, early onset, autosomal recessive. Identifiers: Orphanet 238569, MedGen C2751053, MONDO:0013153, OMIM 613148.

Allele frequency attached by ClinVar (database versions not stated): ESP Exome Variant Server 0.00008; gnomAD 0.00009 and 0.00013; TOPMed 0.00012; gnomAD exomes 0.00025 and 0.00027; ExAC 0.00027; 1000 Genomes Project 0.00040; 1000 Genomes Project 30x 0.00047.
gnomAD v4.1: 385 of 1,614,152 alleles (0.024%); highest among the groups gnomAD compares: South Asian, 0.07%; no homozygotes.

Submissions (3):

Labcorp Genetics (formerly Invitae), Labcorp
Classification: Uncertain significance for Inflammatory bowel disease 28. Last evaluated: 2026-02-01. Review status: criteria provided, single submitter. Criteria: Invitae Variant Classification Sherloc (09022015). Collection method: clinical testing. Allele origin: germline.
Comment: This sequence change replaces valine, which is neutral and non-polar, with isoleucine, which is neutral and non-polar, at codon 236 of the IL10RA protein (p.Val236Ile). This variant is present in population databases (rs35473928, gnomAD 0.06%). This variant has not been reported in the literature in individuals affected with IL10RA-related conditions. ClinVar contains an entry for this variant (Variation ID: 302550). Invitae Evidence Modeling of protein sequence and biophysical properties (such as structural, functional, and spatial information, amino acid conservation, physicochemical variation, residue mobility, and thermodynamic stability) indicates that this missense variant is not expected to disrupt IL10RA protein function with a negative predictive value of 80%. In summary, the available evidence is currently insufficient to determine the role of this variant in disease. Therefore, it has been classified as a Variant of Uncertain Significance.

Illumina Laboratory Services, Illumina
Classification: Uncertain significance for Inflammatory bowel disease 28. Last evaluated: 2018-01-13. Review status: criteria provided, single submitter. Criteria: ICSL Variant Classification Criteria 13 December 2019. Collection method: clinical testing. Allele origin: germline.

Breakthrough Genomics
Classification: Uncertain significance. Review status: criteria provided, single submitter. Criteria: ACMG Guidelines, 2015. Collection method: not provided. Allele origin: germline. Inheritance: Autosomal recessive inheritance. Affected: yes.

NM_001558.4(IL10RA):c.706G>A (p.Val236Ile)

Gene: IL10RA (interleukin 10 receptor subunit alpha; plus strand). Cytogenetic location: 11q23.3.
Variant type: single nucleotide variant.
Coding change: c.706G>A on transcript NM_001558.4 (MANE Select); coding-DNA position 706, G replaced by A.
Protein change: p.Val236Ile; replaces valine 236 with isoleucine.
Molecular consequence: missense variant. On other transcripts: non-coding transcript variant (1).
Genome position (GRCh38, 1-based): chr11:117,995,606, G>A. VCF-style: chr11-117995606-G-A. GRCh37 (hg19) VCF-style: chr11-117866321-G-A.
Other names: short protein forms V236I.
Identifiers: ClinVar variation 302550 (VCV000302550.13), dbSNP rs35473928, ClinGen allele CA6299035.
Genomic context (GRCh38, chr11:117,995,606, plus strand): 5'-CCCCATGGTGACAGGCCACAAACACATCTCTCTGGGCCTGCAGATTTCACCGTGACCAAC[G>A]TCATCATCTTCTTTGCCTTTGTCCTGCTGCTCTCCGGAGCCCTCGCCTACTGCCTGGCCC-3'
Protein context (NP_001549.2, residues 226-246): LTRQYFTVTN[Val236Ile]IIFFAFVLLL